The following is an entry in ClinVar:

ClinVar aggregate classification (germline): Benign/Likely benign. Review status: criteria provided, multiple submitters, no conflicts (2 of 4 stars). 3 submissions from 3 submitters: Benign (1); Likely benign (2). Last evaluated 2026-07-09.

Conditions:
Hereditary cancer-predisposing syndrome. Also called: Tumor predisposition; Neoplastic Syndromes, Hereditary; Hereditary Cancer Syndrome; Hereditary neoplastic syndrome. Identifiers: Orphanet 140162, MedGen C0027672, MeSH D009386, MONDO:0015356.
Rhabdoid tumor predisposition syndrome 2 (RTPS2). Identifiers: Orphanet 231108, Orphanet 69077, MedGen C2750074, MONDO:0013224, OMIM 613325.

Allele frequency attached by ClinVar (database versions not stated): TOPMed below 0.00001; gnomAD exomes below 0.00001; gnomAD 0.00001.
gnomAD v4.1: 2 of 1,614,094 alleles (0.00012%); highest among the groups gnomAD compares: African/African-American, 0.0013%; no homozygotes.

Submissions (3):

Myriad Genetics, Inc.
Classification: Benign for Rhabdoid tumor predisposition syndrome 2. Last evaluated: 2026-07-09. Review status: criteria provided, single submitter. Criteria: Myriad Autosomal Dominant, Autosomal Recessive and X-Linked Classification Criteria (2023). Collection method: clinical testing. Allele origin: unknown.
Comment: This variant is considered benign. This variant is a silent/synonymous amino acid change and it is not expected to impact splicing.

Labcorp Genetics (formerly Invitae), Labcorp
Classification: Likely benign for Rhabdoid tumor predisposition syndrome 2. Last evaluated: 2026-01-13. Review status: criteria provided, single submitter. Criteria: Invitae Variant Classification Sherloc (09022015). Collection method: clinical testing. Allele origin: germline.

Ambry Genetics
Classification: Likely benign for Hereditary cancer-predisposing syndrome. Last evaluated: 2018-03-12. Review status: criteria provided, single submitter. Criteria: Ambry Variant Classification Scheme 2023. Collection method: clinical testing. Allele origin: germline.

NM_003072.5(SMARCA4):c.1161C>T (p.Asn387=)

Gene: SMARCA4 (SWI/SNF related BAF chromatin remodeling complex subunit ATPase 4; plus strand). Cytogenetic location: 19p13.2.
Variant type: single nucleotide variant.
Coding change: c.1161C>T on transcript NM_003072.5 (MANE Select); coding-DNA position 1161, C replaced by T.
Protein change: p.Asn387=; no amino-acid change (asparagine 387 retained).
Molecular consequence: synonymous variant. On other transcripts: non-coding transcript variant (1).
Genome position (GRCh38, 1-based): chr19:10,989,359, C>T. VCF-style: chr19-10989359-C-T. GRCh37 (hg19) VCF-style: chr19-11100035-C-T.
Other names: c.1161C>T, p.Asn387= (NM_001128844.3, NM_001128845.2, NM_001128846.2 and 5 more transcripts).
Identifiers: ClinVar variation 537908 (VCV000537908.17), dbSNP rs1555756330, ClinGen allele CA505489882.